The following is an entry in ClinVar:

NM_003401.5(XRCC4):c.25del (p.His9fs)

Gene: XRCC4 (X-ray repair cross complementing 4; plus strand). Cytogenetic location: 5q14.2.
Variant type: Deletion.
Coding change: c.25del on transcript NM_003401.5 (MANE Select); coding-DNA position 25, one base deleted (C; older notation c.25delC).
Protein change: p.His9fs; shifts the reading frame from histidine 9.
Molecular consequence: frameshift variant.
Genome position (GRCh38, 1-based): chr5:83,104,944, C deleted; the last of 2 consecutive C bases (chr5:83,104,943-83,104,944); deleting either gives the same sequence. VCF-style (leftmost placement, unchanged base first): chr5-83104942-TC-T. GRCh37 (hg19) VCF-style: chr5-82400761-TC-T.
Other names: c.25delC (NM_022406.5, NM_022406.3, NM_022550.3); c.25del, p.His9fs (NM_001318012.3, NM_001318013.2, NM_022406.5 and 1 more transcripts); short protein forms H9fs.
Identifiers: ClinVar variation 208515 (VCV000208515.53), dbSNP rs869320677, ClinGen allele CA358842.

ClinVar aggregate classification (germline): Pathogenic/Likely pathogenic. Review status: criteria provided, multiple submitters, no conflicts (2 of 4 stars). 17 submissions from 17 submitters: Pathogenic (11); Likely pathogenic (3). 3 of the submissions do not count toward it. Last evaluated 2026-08-06.

Conditions:
XRCC4-related disorder. Also called: XRCC4-related condition.
Short stature, microcephaly, and endocrine dysfunction (SSMED). Identifiers: Orphanet 436182, MedGen C4225288, MONDO:0014686, OMIM 616541.

Submissions (17):

OLLIN Analises Genomicas, OLLIN
Classification: Pathogenic for Short stature, microcephaly, and endocrine dysfunction. Last evaluated: 2026-08-06. Review status: criteria provided, single submitter. Criteria: ACMG Guidelines 2015 PMID 25741868. Collection method: clinical testing. Allele origin: germline. Inheritance: Autosomal recessive inheritance.
Comment: This frameshift variant, located in exon 2 (of 8), has been reported in ClinVar (accession VCV000208515.50), in gnomAD with an allele frequency of 0.042%, and in the scientific literature, segregating with the phenotype and in compound heterozygosity, in individuals with XRCC4 related disorders (PMID: 25728776, 25839420, 27169690). This variant causes a frameshift and introduces a premature stop codon, which is predicted to result in either a truncated protein or degradation of the mRNA via nonsense-mediated decay (NMD). Functional studies suggest that this variant may affect protein function (PMID: 25728776). According to the currently available evidence, this variant has been classified as pathogenic (PVS1, PS3_P, PM2_P, PM3_VS, PP1).

Labcorp Genetics (formerly Invitae), Labcorp
Classification: Pathogenic. Last evaluated: 2025-11-17. Review status: criteria provided, single submitter. Criteria: Invitae Variant Classification Sherloc (09022015). Collection method: clinical testing. Allele origin: germline.
Comment: This sequence change creates a premature translational stop signal (p.His9Thrfs*8) in the XRCC4 gene. It is expected to result in an absent or disrupted protein product. Loss-of-function variants in XRCC4 are known to be pathogenic (PMID: 25728776). This variant is present in population databases (rs757928483, gnomAD 0.09%), and has an allele count higher than expected for a pathogenic variant. This premature translational stop signal has been observed in individuals with short stature, microcephaly, and endocrine dysfunction (PMID: 25728776, 25839420). It has also been observed to segregate with disease in related individuals. ClinVar contains an entry for this variant (Variation ID: 208515). For these reasons, this variant has been classified as Pathogenic.

Clinical Genomics Laboratory, Washington University in St. Louis
Classification: Pathogenic for Short stature, microcephaly, and endocrine dysfunction. Last evaluated: 2025-07-22. Review status: criteria provided, single submitter. Criteria: ACMG Guidelines, 2015. Collection method: clinical testing. Allele origin: germline. Affected: yes.
Comment: The XRCC4 c.25del (p.His9Thrfs*8) variant has been reported in five individuals affected with primordial microcephalic dwarfism. Of those individuals, five were compound heterozygous for the variant and a pathogenic variant confirmed in trans (Murray JE et al., PMID: 25728776; Rosin N et al., PMID: 25839420). This variant causes a frameshift by deleting a single nucleotide, leading to a premature termination codon, which is predicted to lead to nonsense mediated decay. The highest population minor allele frequency in the population database genome aggregation database (v.2.1.1) is 0.08% in the European non-Finnish population. This variant has been reported in the ClinVar database as a germline pathogenic variant by nine submitters and a likely pathogenic variant by three submitters. Based on available information and the ACMG/AMP guidelines for variant interpretation (Richards S et al., PMID: 25741868), this variant is classified as pathogenic.

First Genomix Gene Laboratory, Genetic Diagnostics Department
Classification: Pathogenic for Short stature, microcephaly, and endocrine dysfunction. Last evaluated: 2025-03-19. Review status: criteria provided, single submitter. Criteria: ACMG Guidelines, 2015. Collection method: clinical testing. Allele origin: germline. Inheritance: Autosomal recessive inheritance. Affected: no. Observed: 1 variant allele.

Blueprint Genetics
Classification: Pathogenic for XRCC4-related disorders. Last evaluated: 2024-11-26. Review status: criteria provided, single submitter. Criteria: ACMG Guidelines, 2015. Collection method: clinical testing. Allele origin: germline. Affected: yes. Observed: 5 variant alleles.

Pittsburgh Clinical Genomics Laboratory, University of Pittsburgh Medical Center
Classification: Likely pathogenic for Short stature, microcephaly, and endocrine dysfunction. Last evaluated: 2024-04-11. Review status: criteria provided, single submitter. Criteria: ACMG Guidelines, 2015. Collection method: clinical testing. Allele origin: germline. Inheritance: Autosomal recessive inheritance. Affected: yes.
Comment: This sequence variant is a single nucleotide deletion (delC) in exon 2 of 8 of the XRCC4 gene and results in an early termination codon 8 amino acids downstream of the frameshift introduced at codon 9. This variant is predicted to generate a non-functional allele through either the expression of a truncated protein or a loss of X-ray repair cross complementing 4 expression due to nonsense mediated decay. This is a previously reported variant (ClinVar 208515) that has been observed in compound heterozygous individuals affected by microcephaly, primordial dwarfism and/or short stature (PMID: 25728776, 25839420, 27169690). This variant is present in 673 of 1,613,268 alleles (0.04%) in the gnomAD population dataset. Immunoblots of proteins derived from the cultured fibroblast cells of a compound heterozygous individual confirmed that this variant results in a significantly reduced production of the XRCC4 protein (PMID: 25728776). Haploinsufficiency in XRCC4 is a known mechanism of disease (PMID: 25728776). Based upon the evidence, we consider this a likely pathogenic variant. ACMG Criteria: PM3, PVS1

GeneDx
Classification: Pathogenic. Last evaluated: 2024-01-23. Review status: criteria provided, single submitter. Criteria: GeneDx Variant Classification Process June 2021. Collection method: clinical testing. Allele origin: germline. Affected: yes.
Comment: Published functional studies demonstrate impaired non-homologous end joining (PMID: 25728776); Frameshift variant predicted to result in protein truncation or nonsense mediated decay in a gene for which loss of function is a known mechanism of disease; This variant is associated with the following publications: (PMID: 26822949, 25839420, 31980526, 34426522, 25728776, 35595529)

CeGaT Center for Human Genetics Tuebingen
Classification: Pathogenic. Last evaluated: 2023-12-01. Review status: criteria provided, single submitter. Criteria: CeGaT Center For Human Genetics Tuebingen Variant Classification Criteria Version 2. Collection method: clinical testing. Allele origin: germline. Affected: yes. Observed: 2 variant alleles.
Comment: XRCC4: PVS1, PM2

Women's Health and Genetics/Laboratory Corporation of America, LabCorp
Classification: Pathogenic for Short stature, microcephaly, and endocrine dysfunction. Last evaluated: 2022-11-22. Review status: criteria provided, single submitter. Criteria: LabCorp Variant Classification Summary - May 2015. Collection method: clinical testing. Allele origin: germline.
Comment: Variant summary: XRCC4 c.25delC (p.His9ThrfsX8) results in a premature termination codon, predicted to cause a truncation of the encoded protein or absence of the protein due to nonsense mediated decay, which are commonly known mechanisms for disease. Truncations downstream of this position are classified as pathogenic in ClinVar. The variant allele was found at a frequency of 0.00039 in 251062 control chromosomes. c.25delC has been reported in the literature in individuals affected with Microcephaly, primordial dwarfism, and unilateral renal agenesis (Murray_2015, Rosin_2015), and these individuals were reported as compound heterozygous, carrying other (likely) pathogenic variants. These data indicate that the variant is likely to be associated with disease. To our knowledge, no experimental evidence demonstrating an impact on protein function has been reported. Six clinical diagnostic laboratories have submitted clinical-significance assessments for this variant to ClinVar after 2014 and classified the variant as pathogenic/likely pathogenic. Based on the evidence outlined above, the variant was classified as pathogenic.

Revvity Omics, Revvity
Classification: Pathogenic for Short stature, microcephaly, and endocrine dysfunction. Last evaluated: 2021-08-10. Review status: criteria provided, single submitter. Criteria: ACMG Guidelines, 2015. Collection method: clinical testing. Allele origin: germline.

Fulgent Genetics
Classification: Likely pathogenic for Short stature, microcephaly, and endocrine dysfunction. Last evaluated: 2021-06-30. Review status: criteria provided, single submitter. Criteria: ACMG Guidelines, 2015. Collection method: clinical testing. Allele origin: unknown.
Comment: This variant has been detected in individual(s) who were sent for testing of Renasight - kidney gene panel.

Laboratory for Molecular Medicine, Mass General Brigham Personalized Medicine
Classification: Pathogenic for Short stature, microcephaly, and endocrine dysfunction. Last evaluated: 2020-06-27. Review status: criteria provided, single submitter. Criteria: LMM Criteria. Collection method: clinical testing. Allele origin: germline. Inheritance: Autosomal recessive inheritance. Observed: 1 variant allele.
Comment: The p.His9ThrfsX8 variant in XRCC4 has been reported in the compound heterozygous state in 4 individuals with clinical features of primordial microcephalic dwarfism and segregated with disease in 1 affected relative (Murray 2015 PMID: 25728776, Rosin 2015 PMID: 25839420). This variant has also been reported by other clinical laboratories in ClinVar (Variation ID 208515) and been identified in 0.083% (107/128924) of European chromosomes by gnomAD. However, this frequency is low enough to be consistent with a recessive allele frequency. This variant is predicted to cause a frameshift, which alters the proteinâ€™s amino acid sequence beginning at position 9 and leads to a premature termination codon 8 amino acids downstream. This alteration is then predicted to lead to a truncated or absent protein. Biallelic loss of function of the XRCC4 gene has been strongly associated with short stature, microcephaly, and endocrine dysfunction. In summary, this variant meets criteria to be classified as pathogenic for autosomal recessive short stature, microcephaly, and endocrine dysfunction. ACMG/AMP Criteria applied: PVS1, PM3_Strong, PP1.

Eurofins Ntd Llc (ga)
Classification: Pathogenic. Last evaluated: 2016-09-28. Review status: criteria provided, single submitter. Criteria: EGL Classification Definitions 2015. Collection method: clinical testing. Allele origin: germline. Observed: 1 variant allele, 1 heterozygote.

UNC Molecular Genetics  Laboratory, University of North Carolina at Chapel Hill
Classification: Likely pathogenic for Short stature, microcephaly, and endocrine dysfunction. Review status: criteria provided, single submitter. Criteria: ACMG Guidelines, 2015. Collection method: research. Allele origin: germline. Observed: 1 variant allele. Study: CSER_NCGENES_2.
Comment: XRCC4 c.25delC, [p.H9fs] is a frameshift variant predicted to result in premature truncation or absence of XRCC4 protein. This variant has previously been reported in microcephaly and prenatal-onset global growth failure and is considered likely pathogenic (PMID:25728776; 25839420).

OMIM
Classification: Pathogenic for SHORT STATURE, MICROCEPHALY, AND ENDOCRINE DYSFUNCTION. Last evaluated: 2015-07-01. Review status: no assertion criteria provided. Collection method: literature only. Allele origin: germline. Not counted in ClinVar's aggregate classification.

Clinical Genetics DNA and cytogenetics Diagnostics Lab, Erasmus MC, Erasmus Medical Center
Classification: Pathogenic. Review status: no assertion criteria provided. Collection method: clinical testing. Allele origin: germline. Affected: yes. Study: VKGL Data-share Consensus. Not counted in ClinVar's aggregate classification.

Diagnostic Laboratory, Department of Genetics, University Medical Center Groningen
Classification: Pathogenic. Review status: no assertion criteria provided. Collection method: clinical testing. Allele origin: germline. Affected: yes. Study: VKGL Data-share Consensus. Not counted in ClinVar's aggregate classification.

Literature cited by the submitters: PubMed 25728776 (cited by 7 submitters); PubMed 25839420 (cited by 7 submitters); PubMed 27169690 (cited by OLLIN Analises Genomicas, OLLIN and Pittsburgh Clinical Genomics Laboratory, University of Pittsburgh Medical Center); PubMed 26822949 (cited by Laboratory for Molecular Medicine, Mass General Brigham Personalized Medicine).